The following is an entry in ClinVar:

NM_001378454.1(ALMS1):c.5404A>G (p.Thr1802Ala)

Gene: ALMS1 (ALMS1 centrosome and basal body associated protein; plus strand). Cytogenetic location: 2p13.1.
Variant type: single nucleotide variant.
Coding change: c.5404A>G on transcript NM_001378454.1 (MANE Select); coding-DNA position 5404, A replaced by G.
Protein change: p.Thr1802Ala; replaces threonine 1802 with alanine.
Molecular consequence: missense variant.
Genome position (GRCh38, 1-based): chr2:73,451,931, A>G. VCF-style: chr2-73451931-A-G. GRCh37 (hg19) VCF-style: chr2-73679058-A-G.
Other names: c.5407A>G, p.Thr1803Ala (NM_015120.4); short protein forms T1802A, T1803A.
Identifiers: ClinVar variation 4994293 (VCV004994293.1).

ClinVar aggregate classification (germline): Uncertain significance (1 of 4 stars; one submission).

Conditions:
ALMS1-related disorder. Also called: ALMS1-related condition.

Submission:

PreventionGenetics, part of Exact Sciences
Classification: Uncertain significance for ALMS1-related condition. Last evaluated: 2025-09-13. Review status: criteria provided, single submitter. Criteria: ACMG Guidelines, 2015. Collection method: clinical testing. Allele origin: germline.
Comment: The ALMS1 c.5407A>G variant is predicted to result in the amino acid substitution p.Thr1803Ala. To our knowledge, this variant has not been reported in the literature or in a large population database (gnomAD), indicating this variant is rare. At this time, the clinical significance of this variant is uncertain due to the absence of conclusive functional and genetic evidence.